The following is an entry in ClinVar:

ClinVar aggregate classification (germline): Uncertain significance (1 of 4 stars; one submission).

gnomAD v4.1: 425 of 1,613,418 alleles (0.026%); highest among the groups gnomAD compares: East Asian, 0.26%; no homozygotes.

Submission:

GeneDx
Classification: Uncertain significance. Last evaluated: 2024-06-28. Review status: criteria provided, single submitter. Criteria: GeneDx Variant Classification Process June 2021. Collection method: clinical testing. Allele origin: germline. Affected: yes.
Comment: Observed in a patient with colon and rectal cancer (PMID: 29212164); In silico analysis supports that this missense variant has a deleterious effect on protein structure/function; Variants in candidate genes are classified as variants of uncertain significance in accordance with ACMG guidelines (PMID: 25741868); This variant is associated with the following publications: (PMID: 29212164)

NM_005475.3(SH2B3):c.1703T>C (p.Ile568Thr)

Gene: SH2B3 (SH2B adaptor protein 3; plus strand). Cytogenetic location: 12q24.12.
Variant type: single nucleotide variant.
Coding change: c.1703T>C on transcript NM_005475.3 (MANE Select); coding-DNA position 1703, T replaced by C.
Protein change: p.Ile568Thr; replaces isoleucine 568 with threonine.
Molecular consequence: missense variant.
Genome position (GRCh38, 1-based): chr12:111,448,277, T>C. VCF-style: chr12-111448277-T-C. GRCh37 (hg19) VCF-style: chr12-111886081-T-C.
Other names: c.1097T>C, p.Ile366Thr (NM_001291424.1); short protein forms I366T, I568T.
Identifiers: ClinVar variation 3392578 (VCV003392578.1).